The following is an entry in ClinVar:

ClinVar aggregate classification (germline): Uncertain significance. Review status: criteria provided, single submitter (1 of 4 stars). 2 submissions from 2 submitters: Uncertain significance (1). 1 of the submissions does not count toward it. Last evaluated 2022-11-08.

Conditions:
Cohen syndrome (COH1). Also called: PEPPER SYNDROME; Cutis verticis gyrata, retinitis pigmentosa, and sensorineural deafness. Identifiers: Orphanet 193, MedGen C0265223, MONDO:0008999, OMIM 216550.
VPS13B-related disorder. Also called: VPS13B-related condition.

Allele frequency attached by ClinVar (database versions not stated): gnomAD exomes below 0.00001.
gnomAD v4.1: 1 of 1,605,826 alleles (0.000062%); highest among the groups gnomAD compares: Admixed American, 0.0017%; no homozygotes.

Submissions (2):

Labcorp Genetics (formerly Invitae), Labcorp
Classification: Uncertain significance for Cohen syndrome. Last evaluated: 2022-11-08. Review status: criteria provided, single submitter. Criteria: Invitae Variant Classification Sherloc (09022015). Collection method: clinical testing. Allele origin: germline.
Comment: This sequence change replaces serine with glycine at codon 142 of the VPS13B protein (p.Ser142Gly). The serine residue is moderately conserved and there is a small physicochemical difference between serine and glycine. This variant is not present in population databases (gnomAD no frequency). This variant has not been reported in the literature in individuals affected with VPS13B-related conditions. ClinVar contains an entry for this variant (Variation ID: 1514609). Advanced modeling of protein sequence and biophysical properties (such as structural, functional, and spatial information, amino acid conservation, physicochemical variation, residue mobility, and thermodynamic stability) performed at Invitae indicates that this missense variant is expected to disrupt VPS13B protein function. In summary, the available evidence is currently insufficient to determine the role of this variant in disease. Therefore, it has been classified as a Variant of Uncertain Significance.

PreventionGenetics, part of Exact Sciences
Classification: Uncertain significance for VPS13B-related condition. Last evaluated: 2023-12-19. Review status: no assertion criteria provided. Collection method: clinical testing. Allele origin: germline. Not counted in ClinVar's aggregate classification.
Comment: The VPS13B c.424A>G variant is predicted to result in the amino acid substitution p.Ser142Gly. To our knowledge, this variant has not been reported in the literature or in a large population database, indicating this variant is rare. At this time, the clinical significance of this variant is uncertain due to the absence of conclusive functional and genetic evidence.

NM_152564.5(VPS13B):c.424A>G (p.Ser142Gly)

Gene: VPS13B (vacuolar protein sorting 13 homolog B; plus strand). Cytogenetic location: 8q22.2.
Variant type: single nucleotide variant.
Coding change: c.424A>G on transcript NM_152564.5 (MANE Select); coding-DNA position 424, A replaced by G.
Protein change: p.Ser142Gly; replaces serine 142 with glycine.
Molecular consequence: missense variant. On other transcripts: non-coding transcript variant (1).
Genome position (GRCh38, 1-based): chr8:99,102,964, A>G. VCF-style: chr8-99102964-A-G. GRCh37 (hg19) VCF-style: chr8-100115192-A-G.
Other names: c.424A>G, p.Ser142Gly (NM_015243.3, NM_017890.5, NM_181661.3); c.424A>G (NM_152564.4); short protein forms S142G.
Identifiers: ClinVar variation 1514609 (VCV001514609.7), dbSNP rs2132453819, ClinGen allele CA371859232.